The following is an entry in ClinVar:

NM_003954.5(MAP3K14):c.2042A>G (p.Asn681Ser)

Genes: MAP3K14 (mitogen-activated protein kinase kinase kinase 14; minus strand), MAP3K14-AS1 (MAP3K14 antisense RNA 1; plus strand), LOC126862575 (CDK7 strongly-dependent group 2 enhancer GRCh37_chr17:43344006-43345205; plus strand). Cytogenetic location: 17q21.31.
Variant type: single nucleotide variant.
Coding change: c.2042A>G on transcript NM_003954.5 (MANE Select); coding-DNA position 2042, A replaced by G.
Protein change: p.Asn681Ser; replaces asparagine 681 with serine.
Molecular consequence: missense variant.
Genome position (GRCh38, 1-based): chr17:45,267,690, T>C on the plus strand (A>G on the coding strand, the complement: MAP3K14 is on the minus strand). VCF-style: chr17-45267690-T-C. GRCh37 (hg19) VCF-style: chr17-43345057-T-C.
Other names: short protein forms N681S.
Identifiers: ClinVar variation 1428781 (VCV001428781.3), dbSNP rs771322208, ClinGen allele CA8613963.

ClinVar aggregate classification (germline): Uncertain significance (1 of 4 stars; one submission).

Conditions:
NIK deficiency. Also called: Primary immunodeficiency with multifaceted aberrant lymphoid immunity. Identifiers: Orphanet 447731, MedGen C5680065, MONDO:0018642.

Allele frequency attached by ClinVar (database versions not stated): gnomAD 0.00001; gnomAD exomes 0.00001 and 0.00002; TOPMed 0.00001; ExAC 0.00002.
gnomAD v4.1: 18 of 1,613,716 alleles (0.0011%); highest among the groups gnomAD compares: Admixed American, 0.005%; no homozygotes.

Submission:

Labcorp Genetics (formerly Invitae), Labcorp
Classification: Uncertain significance for NIK deficiency. Last evaluated: 2021-11-27. Review status: criteria provided, single submitter. Criteria: Invitae Variant Classification Sherloc (09022015). Collection method: clinical testing. Allele origin: germline.
Comment: This sequence change replaces asparagine, which is neutral and polar, with serine, which is neutral and polar, at codon 681 of the MAP3K14 protein (p.Asn681Ser). This variant is present in population databases (rs771322208, gnomAD 0.006%). This variant has not been reported in the literature in individuals affected with MAP3K14-related conditions. In summary, the available evidence is currently insufficient to determine the role of this variant in disease. Therefore, it has been classified as a Variant of Uncertain Significance.